The following is an entry in ClinVar:

ClinVar aggregate classification (germline): Likely benign (0 of 4 stars; one submission).

Conditions:
MAP3K15-related disorder. Also called: MAP3K15-related condition.

Allele frequency attached by ClinVar (database versions not stated): 1000 Genomes Project 30x 0.00104; 1000 Genomes Project 0.00106; TOPMed 0.00184; gnomAD 0.00197; ExAC 0.00207; ESP Exome Variant Server 0.00256; gnomAD exomes 0.00282.
gnomAD v4.1: 3,259 of 1,200,396 alleles (0.27%); highest among the groups gnomAD compares: Non-Finnish European, 0.33%; 8 homozygotes.

Submissions (3):

PreventionGenetics, part of Exact Sciences
Classification: Likely benign for MAP3K15-related condition. Last evaluated: 2019-10-14. Review status: no assertion criteria provided. Collection method: clinical testing. Allele origin: germline.
Comment: This variant is classified as likely benign based on ACMG/AMP sequence variant interpretation guidelines (Richards et al. 2015 PMID: 25741868, with internal and published modifications).

Dr. Peter K. Rogan Lab, Western University
No classification provided (evidence only). Condition: Colorectal cancer. Review status: no classification provided. Collection method: in vitro. Allele origin: not applicable. Functional consequence: retained intron. Not counted in ClinVar's aggregate classification.

Dr. Peter K. Rogan Lab, Western University
No classification provided (evidence only). Condition: Cervical cancer. Review status: no classification provided. Collection method: in vitro. Allele origin: not applicable. Functional consequence: retained intron. Not counted in ClinVar's aggregate classification.

NM_001001671.4(MAP3K15):c.2328C>T (p.Gly776=)

Gene: MAP3K15 (mitogen-activated protein kinase kinase kinase 15; minus strand). Cytogenetic location: Xp22.12.
Variant type: single nucleotide variant.
Coding change: c.2328C>T on transcript NM_001001671.4 (MANE Select); coding-DNA position 2328, C replaced by T.
Protein change: p.Gly776=; no amino-acid change (glycine 776 retained).
Molecular consequence: synonymous variant.
Genome position (GRCh38, 1-based): chrX:19,392,105, G>A on the plus strand (C>T on the coding strand, the complement: MAP3K15 is on the minus strand). VCF-style: chrX-19392105-G-A. GRCh37 (hg19) VCF-style: chrX-19410223-G-A.
Other names: NC_000023.10:g.19410223G>A.
Identifiers: ClinVar variation 3038199 (VCV003038199.3), dbSNP rs61744617, ClinGen allele CA10363779.